The following is an entry in ClinVar:

NM_001166108.2(PALLD):c.1495G>A (p.Glu499Lys)

Gene: PALLD (palladin, cytoskeletal associated protein; plus strand). Cytogenetic location: 4q32.3.
Variant type: single nucleotide variant.
Coding change: c.1495G>A on transcript NM_001166108.2 (MANE Select); coding-DNA position 1495, G replaced by A.
Protein change: p.Glu499Lys; replaces glutamic acid 499 with lysine.
Molecular consequence: missense variant.
Genome position (GRCh38, 1-based): chr4:168,691,286, G>A. VCF-style: chr4-168691286-G-A. GRCh37 (hg19) VCF-style: chr4-169612437-G-A.
Other names: c.349G>A, p.Glu117Lys (NM_001166109.2); c.1495G>A, p.Glu499Lys (NM_016081.4); short protein forms E117K, E499K.
Identifiers: ClinVar variation 1773877 (VCV001773877.2), dbSNP rs2531656671, ClinGen allele CA358796382.

ClinVar aggregate classification (germline): Uncertain significance (1 of 4 stars; one submission).

Submission:

Ambry Genetics
Classification: Uncertain significance. Last evaluated: 2022-03-06. Review status: criteria provided, single submitter. Criteria: Ambry Variant Classification Scheme 2023. Collection method: clinical testing. Allele origin: germline.
Comment: The p.E499K variant (also known as c.1495G>A), located in coding exon 7 of the PALLD gene, results from a G to A substitution at nucleotide position 1495. The glutamic acid at codon 499 is replaced by lysine, an amino acid with similar properties. This amino acid position is conserved. In addition, the in silico prediction for this alteration is inconclusive. Since supporting evidence is limited at this time, the clinical significance of this alteration remains unclear.